The following is an entry in ClinVar:

ClinVar aggregate classification (germline): Uncertain significance (1 of 4 stars; one submission).

Conditions:
Developmental and epileptic encephalopathy 92. Also called: EPILEPTIC ENCEPHALOPATHY, INFANTILE OR EARLY CHILDHOOD, 2. Identifiers: MedGen C4693362, MONDO:0020631, OMIM 617829.

Submission:

3billion
Classification: Uncertain significance for Developmental and epileptic encephalopathy 92. Last evaluated: 2025-05-30. Review status: criteria provided, single submitter. Criteria: ACMG Guidelines, 2015. Collection method: clinical testing. Allele origin: germline. Affected: yes.
Comment: The variant is not observed in the gnomAD v4.1.0 dataset. Predicted Consequence/Location: Missense variant. Missense changes are a common disease-causing mechanism. In silico tool predictions suggest damaging effect of the variant on gene or gene product [REVEL: 0.66 (>=0.6, sensitivity 0.68 and specificity 0.92)]. Therefore, this variant is classified as VUS according to the recommendation of ACMG/AMP guideline.

NM_001371727.1(GABRB2):c.137G>A (p.Gly46Asp)

Gene: GABRB2 (gamma-aminobutyric acid type A receptor subunit beta2; minus strand). Cytogenetic location: 5q34.
Variant type: single nucleotide variant.
Coding change: c.137G>A on transcript NM_001371727.1 (MANE Select); coding-DNA position 137, G replaced by A.
Protein change: p.Gly46Asp; replaces glycine 46 with aspartic acid.
Molecular consequence: missense variant.
Genome position (GRCh38, 1-based): chr5:161,546,354, C>T on the plus strand (G>A on the coding strand, the complement: GABRB2 is on the minus strand). VCF-style: chr5-161546354-C-T. GRCh37 (hg19) VCF-style: chr5-160973360-C-T.
Other names: c.137G>A, p.Gly46Asp (NM_000813.3, NM_021911.3); short protein forms G46D.
Identifiers: ClinVar variation 4855567 (VCV004855567.1).
Genomic context (GRCh38, chr5:161,546,354, plus strand): 5'-GGACTTATTTGCAAGGCAACCCCATTACCTCCAAAATCTGGTCTCAGACGAATGTCATAG[C>T]CTTTCAGGAGTCTATCCACCGTCTCTTTAACCAGCGACATATTACTAGGGTCATTGACAC-3'
Protein context (NP_001358656.1, residues 36-56): VKETVDRLLK[Gly46Asp]YDIRLRPDFG